The following is an entry in ClinVar:

ClinVar aggregate classification (germline): Likely benign (1 of 4 stars; one submission).

Submission:

Laboratory for Molecular Medicine, Mass General Brigham Personalized Medicine
Classification: Likely benign. Last evaluated: 2016-07-05. Review status: criteria provided, single submitter. Criteria: LMM Criteria. Collection method: clinical testing. Allele origin: germline. Observed: 1 variant allele.
Comment: m.1341C>T in MTRNR1: This variant is not expected to have clinical significance because it has been identified in 3.3% (19/565) human mitochondrial DNA sequenc es of the haplogroup U5b, which is primarily of European descent.

Literature cited by the submitters: PubMed 11406419; PubMed 15286228; PubMed 24667788.

NC_012920.1(MT-RNR1):m.1341C>T

Gene: MT-RNR1 (mitochondrially encoded 12S RNA; plus strand).
Variant type: single nucleotide variant.
Genome position: chrM-1341-C-T.
Identifiers: ClinVar variation 505200 (VCV000505200.4), dbSNP rs1556422519, ClinGen allele CA658799936.